The following is an entry in ClinVar:

ClinVar aggregate classification (germline): Uncertain significance (1 of 4 stars; one submission).

Conditions:
Ehlers-Danlos syndrome, classic type, 1 (EDSCL1). Also called: EHLERS-DANLOS SYNDROME, GRAVIS TYPE; EHLERS-DANLOS SYNDROME, SEVERE CLASSIC TYPE; EDS I; Ehlers-Danlos Syndrome, Classic Type, COL5A1-Related; Ehlers-Danlos syndrome, type 1. Identifiers: MedGen C0268335, MONDO:0019567, OMIM 130000.

Submission:

Labcorp Genetics (formerly Invitae), Labcorp
Classification: Uncertain significance for Ehlers-Danlos syndrome, classic type, 1. Last evaluated: 2023-10-06. Review status: criteria provided, single submitter. Criteria: Invitae Variant Classification Sherloc (09022015). Collection method: clinical testing. Allele origin: germline.
Comment: This sequence change replaces methionine, which is neutral and non-polar, with threonine, which is neutral and polar, at codon 1774 of the COL5A1 protein (p.Met1774Thr). This variant is not present in population databases (gnomAD no frequency). This variant has not been reported in the literature in individuals affected with COL5A1-related conditions. ClinVar contains an entry for this variant (Variation ID: 459712). Advanced modeling of protein sequence and biophysical properties (such as structural, functional, and spatial information, amino acid conservation, physicochemical variation, residue mobility, and thermodynamic stability) performed at Invitae indicates that this missense variant is not expected to disrupt COL5A1 protein function. In summary, the available evidence is currently insufficient to determine the role of this variant in disease. Therefore, it has been classified as a Variant of Uncertain Significance.

NM_000093.5(COL5A1):c.5321T>C (p.Met1774Thr)

Genes: COL5A1 (collagen type V alpha 1 chain; plus strand), LOC101448202 (uncharacterized LOC101448202; minus strand). Cytogenetic location: 9q34.3.
Variant type: single nucleotide variant.
Coding change: c.5321T>C on transcript NM_000093.5 (MANE Select); coding-DNA position 5321, T replaced by C.
Protein change: p.Met1774Thr; replaces methionine 1774 with threonine.
Molecular consequence: missense variant.
Genome position (GRCh38, 1-based): chr9:134,835,155, T>C. VCF-style: chr9-134835155-T-C. GRCh37 (hg19) VCF-style: chr9-137727001-T-C.
Other names: c.5321T>C, p.Met1774Thr (NM_001278074.1); short protein forms M1774T.
Identifiers: ClinVar variation 459712 (VCV000459712.10), dbSNP rs1554726285, ClinGen allele CA375460863.
Genomic context (GRCh38, chr9:134,835,155, plus strand): 5'-ACGCAGCCACGGGCAGCTACGACAAGGCCCTCCGCTTCCTGGGCTCCAACGACGAGGAGA[T>C]GTCCTATGACAACAACCCCTACATCCGCGCCCTGGTGGACGGCTGTGCTGTGAGTATCCC-3'
Protein context (NP_000084.3, residues 1764-1784): LRFLGSNDEE[Met1774Thr]SYDNNPYIRA